The following is an entry in ClinVar:

NM_001372051.1(CASP8):c.1075G>C (p.Ala359Pro)

Gene: CASP8 (caspase 8; plus strand). Cytogenetic location: 2q33.1.
Variant type: single nucleotide variant.
Coding change: c.1075G>C on transcript NM_001372051.1 (MANE Select); coding-DNA position 1075, G replaced by C.
Protein change: p.Ala359Pro; replaces alanine 359 with proline.
Molecular consequence: missense variant. On other transcripts: non-coding transcript variant (22), intron variant (1).
Genome position (GRCh38, 1-based): chr2:201,285,088, G>C. VCF-style: chr2-201285088-G-C. GRCh37 (hg19) VCF-style: chr2-202149811-G-C.
Other names: c.1030G>C, p.Ala344Pro (NM_001080124.2, NM_001400658.1, NM_001400659.1 and 5 more transcripts); c.1252G>C, p.Ala418Pro (NM_001080125.2); c.1126G>C, p.Ala376Pro (NM_001228.5); c.1207G>C, p.Ala403Pro (NM_001400642.1); c.1108G>C, p.Ala370Pro (NM_001400645.1); c.1075G>C, p.Ala359Pro (NM_001400648.1, NM_001400651.1, NM_001400653.1 and 5 more transcripts); c.1006G>C, p.Ala336Pro (NM_001400664.1); c.1000G>C, p.Ala334Pro (NM_001400665.1); and 7 more; short protein forms A145P, A290P, A376P, A418P, A160P, A336P, A344P, A275P.
Identifiers: ClinVar variation 4763138 (VCV004763138.1).

ClinVar aggregate classification (germline): Uncertain significance (1 of 4 stars; one submission).

Conditions:
Autoimmune lymphoproliferative syndrome type 2B. Also called: AUTOIMMUNE LYMPHOPROLIFERATIVE SYNDROME, TYPE IIB. Identifiers: Orphanet 275517, MedGen C1846545, MONDO:0011804, OMIM 607271.

gnomAD v4.1: 3 of 1,614,006 alleles (0.00019%); highest among the groups gnomAD compares: Non-Finnish European, 0.00025%; no homozygotes.

Submission:

Labcorp Genetics (formerly Invitae), Labcorp
Classification: Uncertain significance for Autoimmune lymphoproliferative syndrome type 2B. Last evaluated: 2025-09-16. Review status: criteria provided, single submitter. Criteria: Invitae Variant Classification Sherloc (09022015). Collection method: clinical testing. Allele origin: germline.
Comment: This sequence change replaces alanine, which is neutral and non-polar, with proline, which is neutral and non-polar, at codon 376 of the CASP8 protein (p.Ala376Pro). This variant is not present in population databases (gnomAD no frequency). This variant has not been reported in the literature in individuals affected with CASP8-related conditions. Invitae Evidence Modeling of protein sequence and biophysical properties (such as structural, functional, and spatial information, amino acid conservation, physicochemical variation, residue mobility, and thermodynamic stability) indicates that this missense variant is expected to disrupt CASP8 protein function with a positive predictive value of 80%. In summary, the available evidence is currently insufficient to determine the role of this variant in disease. Therefore, it has been classified as a Variant of Uncertain Significance.